The following is an entry in ClinVar:

ClinVar aggregate classification (germline): Likely benign (1 of 4 stars; one submission).

Submission:

CeGaT Center for Human Genetics Tuebingen
Classification: Likely benign. Last evaluated: 2025-08-01. Review status: criteria provided, single submitter. Criteria: CeGaT Center For Human Genetics Tuebingen Variant Classification Criteria Version 2. Collection method: clinical testing. Allele origin: germline. Affected: yes. Observed: 1 variant allele.
Comment: TRIM28: PM2:Supporting, BP4, BP7

NM_005762.3(TRIM28):c.948T>C (p.Asp316=)

Gene: TRIM28 (tripartite motif containing 28; plus strand). Cytogenetic location: 19q13.43.
Variant type: single nucleotide variant.
Coding change: c.948T>C on transcript NM_005762.3 (MANE Select); coding-DNA position 948, T replaced by C.
Protein change: p.Asp316=; no amino-acid change (aspartic acid 316 retained).
Molecular consequence: synonymous variant.
Genome position (GRCh38, 1-based): chr19:58,547,900, T>C. VCF-style: chr19-58547900-T-C. GRCh37 (hg19) VCF-style: chr19-59059267-T-C.
Identifiers: ClinVar variation 4085796 (VCV004085796.8).